The following is an entry in ClinVar:

NM_148897.3(SDR9C7):c.214C>T (p.Arg72Trp)

Gene: SDR9C7 (short chain dehydrogenase/reductase family 9C member 7; minus strand). Cytogenetic location: 12q13.3.
Variant type: single nucleotide variant.
Coding change: c.214C>T on transcript NM_148897.3 (MANE Select); coding-DNA position 214, C replaced by T.
Protein change: p.Arg72Trp; replaces arginine 72 with tryptophan.
Molecular consequence: missense variant.
Genome position (GRCh38, 1-based): chr12:56,934,048, G>A on the plus strand (C>T on the coding strand, the complement: SDR9C7 is on the minus strand). VCF-style: chr12-56934048-G-A. GRCh37 (hg19) VCF-style: chr12-57327832-G-A.
Other names: SDR9C7, ARG72TRP (rs530109812); short protein forms R72W.
Identifiers: ClinVar variation 430712 (VCV000430712.3), dbSNP rs530109812, ClinGen allele CA6638230.
Genomic context (GRCh38, chr12:56,934,048, plus strand): 5'-ACTGGGCCGCCGCCTTGATGCTTTCGCTCTTGGTGACATCCAGTAGGGTGGTCTGCAGCC[G>A]ATAGGAGGTATCCCGCTGAAGTTTCTGGGATCCCTCCTCAGTGAAGCAAGCAGCCAGCAC-3'
Protein context (NP_683695.1, residues 62-82): SQKLQRDTSY[Arg72Trp]LQTTLLDVTK

ClinVar aggregate classification (germline): Uncertain significance. Review status: criteria provided, single submitter (1 of 4 stars). 2 submissions from 2 submitters: Uncertain significance (1). 1 of the submissions does not count toward it. Last evaluated 2025-02-24.

Conditions:
Ichthyosis, congenital, autosomal recessive 13. Identifiers: MedGen C4539772, MONDO:0033092, OMIM 617574.

Allele frequency attached by ClinVar (database versions not stated): 1000 Genomes Project 0.00020; TOPMed 0.00001; gnomAD exomes below 0.00001; ExAC 0.00001; gnomAD 0.00001; 1000 Genomes Project 30x 0.00016.

Submissions (2):

Dasa
Classification: Uncertain significance. Last evaluated: 2025-02-24. Review status: criteria provided, single submitter. Criteria: DASA Assertion Criteria. Collection method: clinical testing. Allele origin: germline.
Comment: NM_148897.3(SDR9C7):c.214C>T (p.Arg72Trp) is a missense variant that results in the substitution of arginine with tryptophan. This variant has been reported in individuals with SDR9C7-related disorders (PMID: 28173123). Also, this variant is rare in population databases. The currently available literature and clinical evidence are not sufficient to establish a definitive association between this variant and the reported condition. Therefore, this variant is classified as a variant of uncertain significance.

OMIM
Classification: Pathogenic for ICHTHYOSIS, CONGENITAL, AUTOSOMAL RECESSIVE 13. Last evaluated: 2017-07-14. Review status: no assertion criteria provided. Collection method: literature only. Allele origin: germline. Not counted in ClinVar's aggregate classification.

Literature cited by the submitters: PubMed 28173123 (cited by Dasa and OMIM).